The following is an entry in ClinVar:

NM_033026.6(PCLO):c.230A>G (p.Glu77Gly)

Gene: PCLO (piccolo presynaptic cytomatrix protein; minus strand). Cytogenetic location: 7q21.11.
Variant type: single nucleotide variant.
Coding change: c.230A>G on transcript NM_033026.6 (MANE Select); coding-DNA position 230, A replaced by G.
Protein change: p.Glu77Gly; replaces glutamic acid 77 with glycine.
Molecular consequence: missense variant.
Genome position (GRCh38, 1-based): chr7:83,162,363, T>C on the plus strand (A>G on the coding strand, the complement: PCLO is on the minus strand). VCF-style: chr7-83162363-T-C. GRCh37 (hg19) VCF-style: chr7-82791679-T-C.
Other names: c.230A>G, p.Glu77Gly (NM_014510.3); short protein forms E77G.
Identifiers: ClinVar variation 1382825 (VCV001382825.3), dbSNP rs749093548, ClinGen allele CA4321729.

ClinVar aggregate classification (germline): Uncertain significance (1 of 4 stars; one submission).

Allele frequency attached by ClinVar (database versions not stated): gnomAD exomes 0.00001; TOPMed 0.00001; ExAC 0.00002.

Submission:

Labcorp Genetics (formerly Invitae), Labcorp
Classification: Uncertain significance. Last evaluated: 2022-01-03. Review status: criteria provided, single submitter. Criteria: Invitae Variant Classification Sherloc (09022015). Collection method: clinical testing. Allele origin: germline.
Comment: This sequence change replaces glutamic acid, which is acidic and polar, with glycine, which is neutral and non-polar, at codon 77 of the PCLO protein (p.Glu77Gly). This variant is present in population databases (rs749093548, gnomAD 0.009%). This variant has not been reported in the literature in individuals affected with PCLO-related conditions. Algorithms developed to predict the effect of missense changes on protein structure and function are either unavailable or do not agree on the potential impact of this missense change (SIFT: "Deleterious"; PolyPhen-2: "Not Available"; Align-GVGD: "Class C0"). In summary, the available evidence is currently insufficient to determine the role of this variant in disease. Therefore, it has been classified as a Variant of Uncertain Significance.